The following is an entry in ClinVar:

NM_007294.4(BRCA1):c.5152+1G>C

Gene: BRCA1 (BRCA1 DNA repair associated; minus strand). Cytogenetic location: 17q21.31.
Variant type: single nucleotide variant.
Coding change: c.5152+1G>C on transcript NM_007294.4 (MANE Select); the canonical splice donor site of the intron after coding-DNA position 5152, G replaced by C.
Molecular consequence: splice donor variant. On other transcripts: intron variant (2).
Genome position (GRCh38, 1-based): chr17:43,063,873, C>G on the plus strand (G>C on the coding strand, the complement: BRCA1 is on the minus strand). VCF-style: chr17-43063873-C-G. GRCh37 (hg19) VCF-style: chr17-41215890-C-G.
Other names: IVS18+1G>C; c.1702+1G>C (NM_001408453.1, NM_001408455.1, NM_001408452.1 and 3 more transcripts); c.5008+1G>C (NM_001407737.1, NM_001407746.1, NM_001407738.1 and 21 more transcripts); c.5011+1G>C (NM_001407728.1, NM_007297.4, NM_001407731.1 and 13 more transcripts); c.1699+1G>C (NM_001408461.1, NM_001408464.1, NM_001408467.1 and 7 more transcripts); c.4942+1G>C (NM_001407886.1, NM_001407881.1, NM_001407887.1 and 5 more transcripts); c.5023+1G>C (NM_001407686.1, NM_001407685.1, NM_001407688.1 and 6 more transcripts); c.1837+1G>C (NM_001408397.1, NM_001408401.1, NM_001408396.1 and 8 more transcripts); and 74 more.
Identifiers: ClinVar variation 37642 (VCV000037642.34), dbSNP rs80358094, ClinGen allele CA003280.

ClinVar aggregate classification (germline): Pathogenic. Review status: criteria provided, multiple submitters, no conflicts (2 of 4 stars). 13 submissions from 13 submitters: Pathogenic (10). 3 of the submissions do not count toward it. Last evaluated 2025-04-22.

Conditions:
BRCA1-related disorder. Also called: BRCA1-related condition.
Hereditary cancer-predisposing syndrome. Also called: Tumor predisposition; Neoplastic Syndromes, Hereditary; Hereditary Cancer Syndrome; Hereditary neoplastic syndrome. Identifiers: Orphanet 140162, MedGen C0027672, MeSH D009386, MONDO:0015356.
Hereditary breast ovarian cancer syndrome. Also called: Hereditary breast and ovarian cancer syndrome (HBOC); Hereditary breast and ovarian cancer syndrome; Hereditary breast and ovarian cancer; Hereditary breast and/or ovarian cancer syndrome; Breast and ovarian cancer; BRCA1- and BRCA2-Associated Hereditary Breast and Ovarian Cancer. Identifiers: Orphanet 145, MedGen C0677776, MeSH D061325, MONDO:0003582. Disease mechanism: loss of function.
Breast-ovarian cancer, familial, susceptibility to, 1 (BROVCA1). Also called: OVARIAN CANCER, SUSCEPTIBILITY TO; BRCA1 Hereditary Breast and Ovarian Cancer. Identifiers: Orphanet 145, MedGen C2676676, MONDO:0011450, OMIM 604370. Disease mechanism: loss of function.

Submissions (14):

Ambry Genetics
Classification: Pathogenic for Hereditary cancer-predisposing syndrome. Last evaluated: 2025-04-22. Review status: criteria provided, single submitter. Criteria: Ambry Variant Classification Scheme 2023. Collection method: clinical testing. Allele origin: germline.
Comment: The c.5152+1G>C intronic pathogenic mutation (also known as IVS18+1G>C in the literature) results from a G to C substitution one nucleotide after coding exon 16 of the BRCA1 gene. This alteration has been reported in multiple individuals with personal and/or family histories consistent with hereditary breast and ovarian cancer syndrome (Examples- Dong J et al. Hum. Genet., 1998 Aug;103:154-61; Seong MW et al. Clin. Genet., 2009 Aug;76:152-60; Kim H et al. Breast Cancer Res. Treat., 2012 Aug;134:1315-26; Rebbeck TR et al. Hum. Mutat., 2018 May;39:593-620). A functional study found that this nucleotide substitution is non-functional in a high-throughput, genome editing, haploid cell survival assay (Findlay GM et al. Nature, 2018 10;562:217-222). This nucleotide position is highly conserved in available vertebrate species. Alterations that disrupt the canonical splice site are expected to cause aberrant splicing, resulting in an abnormal protein or a transcript that is subject to nonsense-mediated mRNA decay. RNA studies have demonstrated that this alteration results in skipping of CDS16 in the set of samples tested (Wappenschmidt B et al. PLoS One, 2012 Dec;7:e50800). This variant is considered to be rare based on population cohorts in the Genome Aggregation Database (gnomAD). Based on the supporting evidence, this alteration is interpreted as a disease-causing mutation.

Labcorp Genetics (formerly Invitae), Labcorp
Classification: Pathogenic for Hereditary breast ovarian cancer syndrome. Last evaluated: 2025-03-17. Review status: criteria provided, single submitter. Criteria: Invitae Variant Classification Sherloc (09022015). Collection method: clinical testing. Allele origin: germline.
Comment: This sequence change affects a donor splice site in intron 17 of the BRCA1 gene. RNA analysis indicates that disruption of this splice site induces altered splicing and likely results in a shortened protein product. This variant is not present in population databases (gnomAD no frequency). Disruption of this splice site has been observed in individual(s) with breast cancer and/or ovarian cancer (PMID: 9760198, 19656164, 23239986, 25863477, 26845104). This variant is also known as IVS18+1G>C. ClinVar contains an entry for this variant (Variation ID: 37642). Algorithms developed to predict the effect of variants on gene product structure and function are not available or were not evaluated for this variant. Experimental studies have shown that disruption of this splice site affects BRCA1 function (PMID: 30209399). Studies have shown that disruption of this splice site results in skipping of exon 17 (also known as exon 18), but is expected to preserve the integrity of the reading-frame (PMID: 23239986; internal data). This variant disrupts a region of the BRCA1 protein in which other variant(s) (p.Ser1715Asn) have been determined to be pathogenic (PMID: 11157798, 20516115, 28781887, 30209399, 30765603; internal data). This suggests that this is a clinically significant region of the protein, and that variants that disrupt it are likely to be disease-causing. For these reasons, this variant has been classified as Pathogenic.

Molecular Pathology, Peter Maccallum Cancer Centre
Classification: Pathogenic for Breast-ovarian cancer, familial, susceptibility to, 1. Last evaluated: 2024-11-12. Review status: criteria provided, single submitter. Criteria: ACMG Guidelines, 2015. Collection method: clinical testing. Allele origin: germline. Inheritance: Autosomal dominant inheritance.

Revvity Omics, Revvity
Classification: Pathogenic. Last evaluated: 2022-06-05. Review status: criteria provided, single submitter. Criteria: ACMG Guidelines, 2015. Collection method: clinical testing. Allele origin: germline.

Baylor Genetics
Classification: Pathogenic for Breast-ovarian cancer, familial, susceptibility to, 1. Last evaluated: 2021-08-12. Review status: criteria provided, single submitter. Criteria: ACMG Guidelines, 2015. Collection method: clinical testing. Allele origin: unknown.

Color Diagnostics, LLC DBA Color Health
Classification: Pathogenic for Hereditary cancer-predisposing syndrome. Last evaluated: 2021-02-05. Review status: criteria provided, single submitter. Criteria: ACMG Guidelines, 2015. Collection method: clinical testing. Allele origin: germline.
Comment: This variant causes a G to C nucleotide substitution at the +1 position of intron 17 of the BRCA1 gene. An RNA study has shown in two unrelated variant carriers that this variant causes in-frame skipping of exon 17, resulting in loss of functionally important residues in the BRCT domain (PMID: 23239986). A functional study has reported that this variant impacts BRCA1 function in a haploid cell proliferation assay (PMID: 30209399). This variant has been observed in multiple individuals affected with breast and ovarian cancer (PMID: 9760198, 22798144, 23239986, 26845104). This variant has not been identified in the general population by the Genome Aggregation Database (gnomAD). Loss of BRCA1 function is a known mechanism of disease. Based on the available evidence, this variant is classified as Pathogenic.

Women's Health and Genetics/Laboratory Corporation of America, LabCorp
Classification: Pathogenic for Hereditary breast and ovarian cancer syndrome. Last evaluated: 2019-11-22. Review status: criteria provided, single submitter. Criteria: LabCorp Variant Classification Summary - May 2015. Collection method: clinical testing. Allele origin: germline.
Comment: Variant summary: BRCA1 c.5152+1G>C is located in a canonical splice-site and is predicted to affect mRNA splicing resulting in a significantly altered protein due to either exon skipping, shortening, or inclusion of intronic material. Several computational tools predict a significant impact on normal splicing: Five predict the variant abolishes a 5 splicing donor site. However, these predictions have yet to be confirmed by functional studies. The variant was absent in 251212 control chromosomes (gnomAD). c.5152+1G>C has been reported in the literature in multiple individuals affected with Hereditary Breast and Ovarian Cancer (Dong_1998, Wappenschmidt_2012, Kang_2015, Rebbeck_2018). These data indicate that the variant is very likely to be associated with disease. Four ClinVar submitters (evaluation after 2014) cite the variant as pathogenic. Based on the evidence outlined above, the variant was classified as pathogenic.

University of Washington Department of Laboratory Medicine, University of Washington
Classification: Pathogenic for Breast-ovarian cancer, familial, susceptibility to, 1. Last evaluated: 2015-11-20. Review status: criteria provided, single submitter. Criteria: Shirts et al. (Genet Med 2016). Collection method: clinical testing. Allele origin: germline. Affected: yes. Observed: 1 variant allele.

Consortium of Investigators of Modifiers of BRCA1/2 (CIMBA), c/o University of Cambridge
Classification: Pathogenic for Breast-ovarian cancer, familial, susceptibility to, 1. Last evaluated: 2015-10-02. Review status: criteria provided, single submitter. Criteria: CIMBA Mutation Classification guidelines May 2016. Collection method: clinical testing. Allele origin: germline.

Quest Diagnostics Nichols Institute San Juan Capistrano
Classification: Pathogenic. Last evaluated: 2015-06-09. Review status: criteria provided, single submitter. Criteria: Quest Diagnostics criteria. Collection method: clinical testing. Allele origin: unknown.

PreventionGenetics, part of Exact Sciences
Classification: Pathogenic for BRCA1-related condition. Last evaluated: 2024-07-25. Review status: no assertion criteria provided. Collection method: clinical testing. Allele origin: germline. Not counted in ClinVar's aggregate classification.
Comment: The BRCA1 c.5152+1G>C variant is predicted to disrupt the GT donor site and interfere with normal splicing. This variant has been reported in several individuals with a personal or family history of breast or ovarian cancer (see, for example, Dong et al. 1998. PubMed ID: 9760198; Kim et al. 2012. PubMed ID: 22798144; Rebbeck et al. 2018. PubMed ID: 29446198; Abulkhair et al. 2018. PubMed ID: 30199306). It has also been reported in an individual with colorectal cancer (Table S3, AlHarbi et al. 2023. PubMed ID: 37306523). RT_PCR studies suggest this variant impacts mRNA splicing (Wappenschmidt et al. 2012. PubMed ID: 23239986), and in vitro analysis suggested this variant renders the gene non-functional (Findlay et al. 2018. PubMed ID: 30209399). This variant has not been reported in a large population database, indicating it is rare in the general population. In ClinVar, this variant classified as pathogenic by several submitters. Variants that disrupt the consensus splice donor site in BRCA1 are expected to be pathogenic. This variant is interpreted as pathogenic.

Sharing Clinical Reports Project (SCRP)
Classification: Pathogenic for Breast-ovarian cancer, familial 1. Last evaluated: 2010-09-01. Review status: no assertion criteria provided. Collection method: clinical testing. Allele origin: germline. Not counted in ClinVar's aggregate classification.

Breast Cancer Information Core (BIC) (BRCA1)
Classification: Pathogenic for Breast-ovarian cancer, familial 1. Last evaluated: 2002-05-29. Review status: no assertion criteria provided. Collection method: clinical testing. Allele origin: germline. Affected: yes. Observed: 2 variant alleles. Not counted in ClinVar's aggregate classification.

Brotman Baty Institute, University of Washington
No classification provided (evidence only). Condition: Breast-ovarian cancer, familial 1. Review status: no classification provided. Collection method: in vitro. Allele origin: not applicable. Functional consequence: functionally_abnormal. Not counted in ClinVar's aggregate classification.
ClinVar note: "not provided" was previously submitted as the classification for the variant. However, the classification appeared to be based only on an observation of functional data so it was converted to no classification on 2025-07-30.

Literature cited by the submitters: PubMed 12124814 (cited by Ambry Genetics); PubMed 12955719 (cited by Ambry Genetics); PubMed 19656164 (cited by Ambry Genetics and Labcorp Genetics (formerly Invitae), Labcorp); PubMed 22798144 (cited by Ambry Genetics); PubMed 23239986 (cited by 3 submitters); PubMed 25525159 (cited by Ambry Genetics); PubMed 29446198 (cited by Ambry Genetics and Women's Health and Genetics/Laboratory Corporation of America, LabCorp); PubMed 30209399 (cited by Ambry Genetics and Labcorp Genetics (formerly Invitae), Labcorp); PubMed 9760198 (cited by 3 submitters); PubMed 25863477 (cited by Labcorp Genetics (formerly Invitae), Labcorp and Women's Health and Genetics/Laboratory Corporation of America, LabCorp); PubMed 26845104 (cited by Labcorp Genetics (formerly Invitae), Labcorp); PubMed 11157798 (cited by Labcorp Genetics (formerly Invitae), Labcorp); PubMed 20516115 (cited by Labcorp Genetics (formerly Invitae), Labcorp); PubMed 28781887 (cited by Labcorp Genetics (formerly Invitae), Labcorp); PubMed 30765603 (cited by Labcorp Genetics (formerly Invitae), Labcorp).